The following is an entry in ClinVar:

NM_015559.3(SETBP1):c.4543A>G (p.Met1515Val)

Gene: SETBP1 (SET binding protein 1; plus strand). Cytogenetic location: 18q12.3.
Variant type: single nucleotide variant.
Coding change: c.4543A>G on transcript NM_015559.3 (MANE Select); coding-DNA position 4543, A replaced by G.
Protein change: p.Met1515Val; replaces methionine 1515 with valine.
Molecular consequence: missense variant.
Genome position (GRCh38, 1-based): chr18:45,063,450, A>G. VCF-style: chr18-45063450-A-G. GRCh37 (hg19) VCF-style: chr18-42643415-A-G.
Other names: c.4543A>G, p.Met1515Val (NM_001379141.1, NM_001379142.1); short protein forms M1515V.
Identifiers: ClinVar variation 1346428 (VCV001346428.6), dbSNP rs1162276367, ClinGen allele CA402483646.

ClinVar aggregate classification (germline): Uncertain significance (1 of 4 stars; one submission).

Allele frequency attached by ClinVar (database versions not stated): gnomAD exomes below 0.00001; gnomAD 0.00001.

Submission:

Labcorp Genetics (formerly Invitae), Labcorp
Classification: Uncertain significance. Last evaluated: 2024-04-05. Review status: criteria provided, single submitter. Criteria: Invitae Variant Classification Sherloc (09022015). Collection method: clinical testing. Allele origin: germline.
Comment: This sequence change replaces methionine, which is neutral and non-polar, with valine, which is neutral and non-polar, at codon 1515 of the SETBP1 protein (p.Met1515Val). This variant is present in population databases (no rsID available, gnomAD 0.007%). This variant has not been reported in the literature in individuals affected with SETBP1-related conditions. ClinVar contains an entry for this variant (Variation ID: 1346428). Advanced modeling of protein sequence and biophysical properties (such as structural, functional, and spatial information, amino acid conservation, physicochemical variation, residue mobility, and thermodynamic stability) has been performed at Invitae for this missense variant, however the output from this modeling did not meet the statistical confidence thresholds required to predict the impact of this variant on SETBP1 protein function. In summary, the available evidence is currently insufficient to determine the role of this variant in disease. Therefore, it has been classified as a Variant of Uncertain Significance.